The following is an entry in ClinVar:

ClinVar aggregate classification (germline): Conflicting classifications of pathogenicity. Review status: criteria provided, conflicting classifications (1 of 4 stars). 4 submissions from 4 submitters: Uncertain significance (2); Likely benign (2). Last evaluated 2025-09-10.

Conditions:
Adams-Oliver syndrome 5 (AOS5). Identifiers: Orphanet 974, MedGen C4014970, MONDO:0014459, OMIM 616028.
Familial thoracic aortic aneurysm and aortic dissection (TAAD). Also called: Thoracic aortic aneurysms and dissections. Identifiers: Orphanet 91387, MedGen C4707243, MONDO:0019625.

gnomAD v4.1: 7 of 1,582,742 alleles (0.00044%); highest among the groups gnomAD compares: East Asian, 0.0023%; no homozygotes.

Submissions (4):

Labcorp Genetics (formerly Invitae), Labcorp
Classification: Likely benign for Adams-Oliver syndrome 5. Last evaluated: 2025-09-10. Review status: criteria provided, single submitter. Criteria: Invitae Variant Classification Sherloc (09022015). Collection method: clinical testing. Allele origin: germline.

GeneDx
Classification: Uncertain significance. Last evaluated: 2025-02-04. Review status: criteria provided, single submitter. Criteria: GeneDx Variant Classification Process June 2021. Collection method: clinical testing. Allele origin: germline. Affected: yes.
Comment: Not observed at significant frequency in large population cohorts (gnomAD); In silico analysis indicates that this missense variant does not alter protein structure/function; Has not been previously published as pathogenic or benign to our knowledge

Ambry Genetics
Classification: Uncertain significance for Familial thoracic aortic aneurysm and aortic dissection. Last evaluated: 2024-06-05. Review status: criteria provided, single submitter. Criteria: Ambry Variant Classification Scheme 2023. Collection method: clinical testing. Allele origin: germline.
Comment: The p.A1610T variant (also known as c.4828G>A), located in coding exon 26 of the NOTCH1 gene, results from a G to A substitution at nucleotide position 4828. The alanine at codon 1610 is replaced by threonine, an amino acid with similar properties. This amino acid position is not well conserved in available vertebrate species. In addition, this alteration is predicted to be tolerated by in silico analysis. Based on the available evidence, the clinical significance of this variant remains unclear.

Blueprint Genetics
Classification: Likely benign. Last evaluated: 2023-09-15. Review status: criteria provided, single submitter. Criteria: ACMG Guidelines, 2015. Collection method: clinical testing. Allele origin: germline.

NM_017617.5(NOTCH1):c.4828G>A (p.Ala1610Thr)

Gene: NOTCH1 (notch receptor 1; minus strand). Cytogenetic location: 9q34.3.
Variant type: single nucleotide variant.
Coding change: c.4828G>A on transcript NM_017617.5 (MANE Select); coding-DNA position 4828, G replaced by A.
Protein change: p.Ala1610Thr; replaces alanine 1610 with threonine.
Molecular consequence: missense variant.
Genome position (GRCh38, 1-based): chr9:136,504,863, C>T on the plus strand (G>A on the coding strand, the complement: NOTCH1 is on the minus strand). VCF-style: chr9-136504863-C-T. GRCh37 (hg19) VCF-style: chr9-139399315-C-T.
Other names: short protein forms A1610T.
Identifiers: ClinVar variation 3300437 (VCV003300437.5).